The following is an entry in ClinVar:

NM_004341.5(CAD):c.1474G>A (p.Gly492Arg)

Gene: CAD (carbamoyl-phosphate synthetase 2, aspartate transcarbamylase, and dihydroorotase; plus strand). Cytogenetic location: 2p23.3.
Variant type: single nucleotide variant.
Coding change: c.1474G>A on transcript NM_004341.5 (MANE Select); coding-DNA position 1474, G replaced by A.
Protein change: p.Gly492Arg; replaces glycine 492 with arginine.
Molecular consequence: missense variant.
Genome position (GRCh38, 1-based): chr2:27,225,097, G>A. VCF-style: chr2-27225097-G-A. GRCh37 (hg19) VCF-style: chr2-27447965-G-A.
Other names: c.1474G>A, p.Gly492Arg (NM_001306079.2); c.1474G>A (NM_004341.3); short protein forms G492R.
Identifiers: ClinVar variation 1358444 (VCV001358444.5), dbSNP rs577259994, ClinGen allele CA1572728.

ClinVar aggregate classification (germline): Uncertain significance. Review status: criteria provided, multiple submitters, no conflicts (2 of 4 stars). 2 submissions from 2 submitters: Uncertain significance (2). Last evaluated 2025-12-02.

Conditions:
Inborn genetic diseases. Identifiers: MedGen C0950123, MeSH D030342.

Allele frequency attached by ClinVar (database versions not stated): TOPMed 0.00006; gnomAD exomes 0.00003; ExAC 0.00005; 1000 Genomes Project 30x 0.00016; gnomAD 0.00003; 1000 Genomes Project 0.00020.

Submissions (2):

Ambry Genetics
Classification: Uncertain significance for Inborn genetic diseases. Last evaluated: 2025-12-02. Review status: criteria provided, single submitter. Criteria: Ambry Variant Classification Scheme 2023. Collection method: clinical testing. Allele origin: germline.

Labcorp Genetics (formerly Invitae), Labcorp
Classification: Uncertain significance. Last evaluated: 2022-06-27. Review status: criteria provided, single submitter. Criteria: Invitae Variant Classification Sherloc (09022015). Collection method: clinical testing. Allele origin: germline.
Comment: This sequence change replaces glycine, which is neutral and non-polar, with arginine, which is basic and polar, at codon 492 of the CAD protein (p.Gly492Arg). This variant is present in population databases (rs577259994, gnomAD 0.004%). This variant has not been reported in the literature in individuals affected with CAD-related conditions. Algorithms developed to predict the effect of missense changes on protein structure and function are either unavailable or do not agree on the potential impact of this missense change (SIFT: "Deleterious"; PolyPhen-2: "Possibly Damaging"; Align-GVGD: "Class C0"). In summary, the available evidence is currently insufficient to determine the role of this variant in disease. Therefore, it has been classified as a Variant of Uncertain Significance.